The following is an entry in ClinVar:

NM_018263.6(ASXL2):c.1307T>C (p.Leu436Ser)

Gene: ASXL2 (ASXL transcriptional regulator 2; minus strand). Cytogenetic location: 2p23.3.
Variant type: single nucleotide variant.
Coding change: c.1307T>C on transcript NM_018263.6 (MANE Select); coding-DNA position 1307, T replaced by C.
Protein change: p.Leu436Ser; replaces leucine 436 with serine.
Molecular consequence: missense variant.
Genome position (GRCh38, 1-based): chr2:25,750,249, A>G on the plus strand (T>C on the coding strand, the complement: ASXL2 is on the minus strand). VCF-style: chr2-25750249-A-G. GRCh37 (hg19) VCF-style: chr2-25973118-A-G.
Other names: c.1133T>C, p.Leu378Ser (NM_001369346.1); c.527T>C, p.Leu176Ser (NM_001369347.1); short protein forms L176S, L436S, L378S.
Identifiers: ClinVar variation 3666861 (VCV003666861.2).
Genomic context (GRCh38, chr2:25,750,249, plus strand): 5'-TTCGGCTGCACTTCACCTTGGCTTTCACACTCTTCTTTTCTGCCTGGTGATGACATTTGC[A>G]ATGCTTCTTCTTTACACTCTGACTGGGAGACTACTGGAACTATTCTGATAAGAGAGGCCT-3'
Protein context (NP_060733.4, residues 426-446): VSQSECKEEA[Leu436Ser]QMSSPGRKEE

ClinVar aggregate classification (germline): Uncertain significance (1 of 4 stars; one submission).

gnomAD v4.1: 1 of 1,613,966 alleles (0.000062%); highest among the groups gnomAD compares: Non-Finnish European, 0.000085%; no homozygotes.

Submission:

Labcorp Genetics (formerly Invitae), Labcorp
Classification: Uncertain significance. Last evaluated: 2024-12-30. Review status: criteria provided, single submitter. Criteria: Invitae Variant Classification Sherloc (09022015). Collection method: clinical testing. Allele origin: germline.
Comment: This sequence change replaces leucine, which is neutral and non-polar, with serine, which is neutral and polar, at codon 436 of the ASXL2 protein (p.Leu436Ser). This variant is present in population databases (rs769831579, gnomAD 0.0009%). This variant has not been reported in the literature in individuals affected with ASXL2-related conditions. Invitae Evidence Modeling of protein sequence and biophysical properties (such as structural, functional, and spatial information, amino acid conservation, physicochemical variation, residue mobility, and thermodynamic stability) indicates that this missense variant is not expected to disrupt ASXL2 protein function with a negative predictive value of 80%. In summary, the available evidence is currently insufficient to determine the role of this variant in disease. Therefore, it has been classified as a Variant of Uncertain Significance.